The following is an entry in ClinVar:

ClinVar aggregate classification (germline): Uncertain significance (1 of 4 stars; one submission).

Conditions:
Maple syrup urine disease (MSUD). Identifiers: Orphanet 511, MedGen C0024776, MeSH D008375, MONDO:0009563. Disease mechanism: loss of function.

Submission:

Labcorp Genetics (formerly Invitae), Labcorp
Classification: Uncertain significance for Maple syrup urine disease. Last evaluated: 2022-07-19. Review status: criteria provided, single submitter. Criteria: Invitae Variant Classification Sherloc (09022015). Collection method: clinical testing. Allele origin: germline.
Comment: This sequence change replaces arginine, which is basic and polar, with glycine, which is neutral and non-polar, at codon 199 of the DBT protein (p.Arg199Gly). This variant is not present in population databases (gnomAD no frequency). This variant has not been reported in the literature in individuals affected with DBT-related conditions. ClinVar contains an entry for this variant (Variation ID: 1486431). Advanced modeling of protein sequence and biophysical properties (such as structural, functional, and spatial information, amino acid conservation, physicochemical variation, residue mobility, and thermodynamic stability) performed at Invitae indicates that this missense variant is expected to disrupt DBT protein function. In summary, the available evidence is currently insufficient to determine the role of this variant in disease. Therefore, it has been classified as a Variant of Uncertain Significance.

NM_001918.5(DBT):c.595A>G (p.Arg199Gly)

Gene: DBT (dihydrolipoamide branched chain transacylase E2; minus strand). Cytogenetic location: 1p21.2.
Variant type: single nucleotide variant.
Coding change: c.595A>G on transcript NM_001918.5 (MANE Select); coding-DNA position 595, A replaced by G.
Protein change: p.Arg199Gly; replaces arginine 199 with glycine.
Molecular consequence: missense variant.
Genome position (GRCh38, 1-based): chr1:100,216,160, T>C on the plus strand (A>G on the coding strand, the complement: DBT is on the minus strand). VCF-style: chr1-100216160-T-C. GRCh37 (hg19) VCF-style: chr1-100681716-T-C.
Other names: short protein forms R199G.
Identifiers: ClinVar variation 1486431 (VCV001486431.5), dbSNP rs2100799976, ClinGen allele CA341338910.